The following is an entry in ClinVar:

ClinVar aggregate classification (germline): Conflicting classifications of pathogenicity. Review status: criteria provided, conflicting classifications (1 of 4 stars). 3 submissions from 3 submitters: Uncertain significance (1); Likely benign (2). Last evaluated 2025-05-23.

Conditions:
ASXL3-related disorder. Also called: ASXL3-related condition. Identifiers: MedGen CN381524.
Inborn genetic diseases. Identifiers: MedGen C0950123, MeSH D030342.

Allele frequency attached by ClinVar (database versions not stated): ExAC 0.00002; gnomAD exomes 0.00002 and 0.00003; gnomAD 0.00006 and 0.00007; TOPMed 0.00017; 1000 Genomes Project 0.00020; 1000 Genomes Project 30x 0.00047.
gnomAD v4.1: 41 of 1,613,918 alleles (0.0025%); highest among the groups gnomAD compares: Admixed American, 0.022%; no homozygotes.

Submissions (3):

PreventionGenetics, part of Exact Sciences
Classification: Uncertain significance for ASXL3-related condition. Last evaluated: 2025-05-23. Review status: criteria provided, single submitter. Criteria: ACMG Guidelines, 2015. Collection method: clinical testing. Allele origin: germline.
Comment: The ASXL3 c.4382C>T variant is predicted to result in the amino acid substitution p.Ala1461Val. To our knowledge, this variant has not been reported in the literature. This variant is reported in 0.0097% of alleles in individuals of Ashkenazi Jewish descent in gnomAD. At this time, the clinical significance of this variant is uncertain due to the absence of conclusive functional and genetic evidence.

Ambry Genetics
Classification: Likely benign for Inborn genetic diseases. Last evaluated: 2023-11-21. Review status: criteria provided, single submitter. Criteria: Ambry Variant Classification Scheme 2023. Collection method: clinical testing. Allele origin: germline.

GeneDx
Classification: Likely benign. Last evaluated: 2020-10-13. Review status: criteria provided, single submitter. Criteria: GeneDx Variant Classification Process June 2021. Collection method: clinical testing. Allele origin: germline. Affected: yes.

NM_030632.3(ASXL3):c.4382C>T (p.Ala1461Val)

Gene: ASXL3 (ASXL transcriptional regulator 3; plus strand). Cytogenetic location: 18q12.1.
Variant type: single nucleotide variant.
Coding change: c.4382C>T on transcript NM_030632.3 (MANE Select); coding-DNA position 4382, C replaced by T.
Protein change: p.Ala1461Val; replaces alanine 1461 with valine.
Molecular consequence: missense variant.
Genome position (GRCh38, 1-based): chr18:33,744,230, C>T. VCF-style: chr18-33744230-C-T. GRCh37 (hg19) VCF-style: chr18-31324194-C-T.
Other names: c.4382C>T (NM_030632.2); short protein forms A1461V.
Identifiers: ClinVar variation 1215422 (VCV001215422.5), dbSNP rs148756586, ClinGen allele CA8934250.